The following is an entry in ClinVar:

ClinVar aggregate classification (germline): Uncertain significance. Review status: criteria provided, single submitter (1 of 4 stars). 2 submissions from 2 submitters: Uncertain significance (1). 1 of the submissions does not count toward it. Last evaluated 2025-02-26.

Conditions:
PLXNA3-related disorder. Also called: PLXNA3-related condition.

Allele frequency attached by ClinVar (database versions not stated): gnomAD exomes 0.00004; gnomAD 0.00005; ExAC 0.00008; TOPMed 0.00008; ESP Exome Variant Server 0.00010.
gnomAD v4.1: 50 of 1,174,876 alleles (0.0043%); highest among the groups gnomAD compares: African/African-American, 0.0089%; no homozygotes.

Submissions (2):

Ambry Genetics
Classification: Uncertain significance. Last evaluated: 2025-02-26. Review status: criteria provided, single submitter. Criteria: Ambry Variant Classification Scheme 2023. Collection method: clinical testing. Allele origin: germline.

PreventionGenetics, part of Exact Sciences
Classification: Uncertain significance for PLXNA3-related condition. Last evaluated: 2024-05-08. Review status: no assertion criteria provided. Collection method: clinical testing. Allele origin: germline. Not counted in ClinVar's aggregate classification.
Comment: The PLXNA3 c.1558G>A variant is predicted to result in the amino acid substitution p.Glu520Lys. To our knowledge, this variant has not been reported in the literature. This variant is reported in 0.013% of alleles in individuals of African descent in gnomAD. Although we suspect that this variant may be benign, at this time, the clinical significance of this variant is uncertain due to the absence of conclusive functional and genetic evidence.

NM_017514.5(PLXNA3):c.1558G>A (p.Glu520Lys)

Gene: PLXNA3 (plexin A3; plus strand). Cytogenetic location: Xq28.
Variant type: single nucleotide variant.
Coding change: c.1558G>A on transcript NM_017514.5 (MANE Select); coding-DNA position 1558, G replaced by A.
Protein change: p.Glu520Lys; replaces glutamic acid 520 with lysine.
Molecular consequence: missense variant.
Genome position (GRCh38, 1-based): chrX:154,463,961, G>A. VCF-style: chrX-154463961-G-A. GRCh37 (hg19) VCF-style: chrX-153692304-G-A.
Other names: c.1558G>A (NM_017514.3); short protein forms E520K.
Identifiers: ClinVar variation 2634513 (VCV002634513.3), dbSNP rs372123075, ClinGen allele CA10564093.
Genomic context (GRCh38, chrX:154,463,961, plus strand): 5'-GGGCCCTCCCGGGGCAGTGGCGGGACCGGCTCTGGCCCGACCCCGTGCAGGTGCTGCCGC[G>A]AAGGGGCCTGTCTGGGCGCCTCTGCCCCACACGGCTTTGCTGAGGAGCTGAGCAAGTGTG-3'
Protein context (NP_059984.3, residues 510-530): WCVLRHRCCR[Glu520Lys]GACLGASAPH